The following is an entry in ClinVar:

NM_001020658.2(PUM1):c.2764C>T (p.Arg922Ter)

Gene: PUM1 (pumilio RNA binding family member 1; minus strand). Cytogenetic location: 1p35.2.
Variant type: single nucleotide variant.
Coding change: c.2764C>T on transcript NM_001020658.2 (MANE Select); coding-DNA position 2764, C replaced by T.
Protein change: p.Arg922Ter; replaces arginine 922 with a stop codon.
Molecular consequence: nonsense.
Genome position (GRCh38, 1-based): chr1:30,950,219, G>A on the plus strand (C>T on the coding strand, the complement: PUM1 is on the minus strand). VCF-style: chr1-30950219-G-A. GRCh37 (hg19) VCF-style: chr1-31423066-G-A.
Other names: c.2764C>T, p.Arg922Ter (NM_014676.3); short protein forms R922*.
Identifiers: ClinVar variation 4680887 (VCV004680887.2).

ClinVar aggregate classification (germline): Pathogenic/Likely pathogenic. Review status: criteria provided, multiple submitters, no conflicts (2 of 4 stars). 2 submissions from 2 submitters: Pathogenic (1); Likely pathogenic (1). Last evaluated 2026-08-11.

Conditions:
Spinocerebellar ataxia 47 (NEDMSF). Also called: PADDAS SYNDROME; neurodevelopmental disorder with motor abnormalities, seizures, and facial dysmorphism. Identifiers: Orphanet 642747, MedGen C4693672, MONDO:0033482, OMIM 620719.

Submissions (2):

MVZ Martinsried, Medicover Genetics
Classification: Likely pathogenic for Spinocerebellar ataxia 47. Last evaluated: 2026-08-11. Review status: criteria provided, single submitter. Criteria: ClinGen Variant Curation SOP V3.2 + Classification Guidance July2025. Collection method: clinical testing. Allele origin: inherited. Affected: yes. Observed: 1 heterozygote.

GeneDx
Classification: Pathogenic. Last evaluated: 2025-07-01. Review status: criteria provided, single submitter. Criteria: GeneDx Variant Classification Process June 2021. Collection method: clinical testing. Allele origin: germline. Affected: yes.
Comment: Nonsense variant predicted to result in protein truncation or nonsense mediated decay in a gene for which loss of function is a known mechanism of disease; Not observed at significant frequency in large population cohorts (gnomAD); Has not been previously published as pathogenic or benign to our knowledge